The following is an entry in ClinVar:

NM_206933.4(USH2A):c.12434C>T (p.Pro4145Leu)

Gene: USH2A (usherin; minus strand). Cytogenetic location: 1q41.
Variant type: single nucleotide variant.
Coding change: c.12434C>T on transcript NM_206933.4 (MANE Select); coding-DNA position 12434, C replaced by T.
Protein change: p.Pro4145Leu; replaces proline 4145 with leucine.
Molecular consequence: missense variant.
Genome position (GRCh38, 1-based): chr1:215,675,477, G>A on the plus strand (C>T on the coding strand, the complement: USH2A is on the minus strand). VCF-style: chr1-215675477-G-A. GRCh37 (hg19) VCF-style: chr1-215848819-G-A.
Other names: short protein forms P4145L.
Identifiers: ClinVar variation 3363210 (VCV003363210.1).

ClinVar aggregate classification (germline): Uncertain significance (1 of 4 stars; one submission).

gnomAD v4.1: 2 of 1,614,116 alleles (0.00012%); no homozygotes.

Submission:

GeneDx
Classification: Uncertain significance. Last evaluated: 2023-10-26. Review status: criteria provided, single submitter. Criteria: GeneDx Variant Classification Process June 2021. Collection method: clinical testing. Allele origin: germline. Affected: yes.
Comment: Not observed at significant frequency in large population cohorts (gnomAD); In silico analysis supports that this missense variant has a deleterious effect on protein structure/function; Has not been previously published as pathogenic or benign to our knowledge